The following is an entry in ClinVar:

ClinVar aggregate classification (germline): Uncertain significance. Review status: criteria provided, multiple submitters, no conflicts (2 of 4 stars). 2 submissions from 2 submitters: Uncertain significance (2). Last evaluated 2025-06-12.

Allele frequency attached by ClinVar (database versions not stated): gnomAD exomes 0.00003 and 0.00006; ExAC 0.00007; ESP Exome Variant Server 0.00015; 1000 Genomes Project 30x 0.00016; 1000 Genomes Project 0.00020; gnomAD 0.00027 and 0.00031; TOPMed 0.00032.
gnomAD v4.1: 94 of 1,612,018 alleles (0.0058%); highest among the groups gnomAD compares: African/African-American, 0.12%; no homozygotes.

Submissions (2):

Labcorp Genetics (formerly Invitae), Labcorp
Classification: Uncertain significance. Last evaluated: 2025-06-12. Review status: criteria provided, single submitter. Criteria: Invitae Variant Classification Sherloc (09022015). Collection method: clinical testing. Allele origin: germline.
Comment: This sequence change replaces histidine, which is basic and polar, with tyrosine, which is neutral and polar, at codon 950 of the NUP133 protein (p.His950Tyr). This variant is present in population databases (rs146066633, gnomAD 0.1%), and has an allele count higher than expected for a pathogenic variant. This variant has not been reported in the literature in individuals affected with NUP133-related conditions. ClinVar contains an entry for this variant (Variation ID: 1524905). An algorithm developed to predict the effect of missense changes on protein structure and function (PolyPhen-2) suggests that this variant is likely to be disruptive. In summary, the available evidence is currently insufficient to determine the role of this variant in disease. Therefore, it has been classified as a Variant of Uncertain Significance.

Ambry Genetics
Classification: Uncertain significance. Last evaluated: 2025-02-08. Review status: criteria provided, single submitter. Criteria: Ambry Variant Classification Scheme 2023. Collection method: clinical testing. Allele origin: germline.

NM_018230.3(NUP133):c.2848C>T (p.His950Tyr)

Gene: NUP133 (nucleoporin 133; minus strand). Cytogenetic location: 1q42.13.
Variant type: single nucleotide variant.
Coding change: c.2848C>T on transcript NM_018230.3 (MANE Select); coding-DNA position 2848, C replaced by T.
Protein change: p.His950Tyr; replaces histidine 950 with tyrosine.
Molecular consequence: missense variant.
Genome position (GRCh38, 1-based): chr1:229,458,293, G>A on the plus strand (C>T on the coding strand, the complement: NUP133 is on the minus strand). VCF-style: chr1-229458293-G-A. GRCh37 (hg19) VCF-style: chr1-229594040-G-A.
Other names: c.2848C>T (NM_018230.2); short protein forms H950Y.
Identifiers: ClinVar variation 1524905 (VCV001524905.7), dbSNP rs146066633, ClinGen allele CA1443169.